The following is an entry in ClinVar:

NM_001130823.3(DNMT1):c.371A>T (p.Asp124Val)

Gene: DNMT1 (DNA methyltransferase 1; minus strand). Cytogenetic location: 19p13.2.
Variant type: single nucleotide variant.
Coding change: c.371A>T on transcript NM_001130823.3 (MANE Select); coding-DNA position 371, A replaced by T.
Protein change: p.Asp124Val; replaces aspartic acid 124 with valine.
Molecular consequence: missense variant.
Genome position (GRCh38, 1-based): chr19:10,180,424, T>A on the plus strand (A>T on the coding strand, the complement: DNMT1 is on the minus strand). VCF-style: chr19-10180424-T-A. GRCh37 (hg19) VCF-style: chr19-10291100-T-A.
Other names: c.371A>T, p.Asp124Val (NM_001318730.2, NM_001379.4); c.8A>T, p.Asp3Val (NM_001318731.2); short protein forms D3V, D124V.
Identifiers: ClinVar variation 2705562 (VCV002705562.3), dbSNP rs2513892575, ClinGen allele CA403946263.
Genomic context (GRCh38, chr19:10,180,424, plus strand): 5'-TCGGACTTGCTCCTCCTGGGCGTGCGAGGTTTGGAAAGGGGTTTGGGGGGGCTGTTGGCA[T>A]CTGCCATTCCCACTCTACGGGCTTCACTTCTTGCTTGGTTCCCGTTTTCTAGACGTCCAT-3'
Protein context (NP_001124295.1, residues 114-134): RSEARRVGMA[Asp124Val]ANSPPKPLSK

ClinVar aggregate classification (germline): Uncertain significance (1 of 4 stars; one submission).

Conditions:
Hereditary sensory neuropathy-deafness-dementia syndrome. Also called: HSN IE; Hereditary sensory neuropathy type IE; NEUROPATHY, HEREDITARY SENSORY, WITH HEARING LOSS AND DEMENTIA; Hereditary Sensory and Autonomic Neuropathy Type 1E (HSAN1E). Identifiers: Orphanet 456318, MedGen C3279885, MONDO:0013584, OMIM 614116.

Submission:

Labcorp Genetics (formerly Invitae), Labcorp
Classification: Uncertain significance for Hereditary sensory neuropathy-deafness-dementia syndrome. Last evaluated: 2024-01-11. Review status: criteria provided, single submitter. Criteria: Invitae Variant Classification Sherloc (09022015). Collection method: clinical testing. Allele origin: germline.
Comment: This sequence change replaces aspartic acid, which is acidic and polar, with valine, which is neutral and non-polar, at codon 124 of the DNMT1 protein (p.Asp124Val). This variant is not present in population databases (gnomAD no frequency). This variant has not been reported in the literature in individuals affected with DNMT1-related conditions. An algorithm developed to predict the effect of missense changes on protein structure and function (PolyPhen-2) suggests that this variant is likely to be disruptive. In summary, the available evidence is currently insufficient to determine the role of this variant in disease. Therefore, it has been classified as a Variant of Uncertain Significance.